The following is an entry in ClinVar:

ClinVar aggregate classification (germline): Uncertain significance (1 of 4 stars; one submission).

Conditions:
Hereditary spastic paraplegia 49 (HSAN9). Also called: Spastic paraplegia 49, autosomal recessive; TECPR2-Related Hereditary Sensory and Autonomic Neuropathy with Intellectual Disability; NEUROPATHY, HEREDITARY SENSORY AND AUTONOMIC, TYPE IX, WITH DEVELOPMENTAL DELAY. Identifiers: Orphanet 320385, MedGen C5190860, MONDO:0014016, OMIM 615031.

gnomAD v4.1: 10 of 1,530,506 alleles (0.00065%); highest among the groups gnomAD compares: South Asian, 0.0013%; no homozygotes.

Submission:

Labcorp Genetics (formerly Invitae), Labcorp
Classification: Uncertain significance for Hereditary spastic paraplegia 49. Last evaluated: 2022-11-01. Review status: criteria provided, single submitter. Criteria: Invitae Variant Classification Sherloc (09022015). Collection method: clinical testing. Allele origin: germline.
Comment: This sequence change replaces glycine, which is neutral and non-polar, with cysteine, which is neutral and slightly polar, at codon 536 of the TECPR2 protein (p.Gly536Cys). This variant is present in population databases (rs186595127, gnomAD 0.004%). This variant has not been reported in the literature in individuals affected with TECPR2-related conditions. Algorithms developed to predict the effect of missense changes on protein structure and function are either unavailable or do not agree on the potential impact of this missense change (SIFT: "Deleterious"; PolyPhen-2: "Possibly Damaging"; Align-GVGD: "Class C0"). In summary, the available evidence is currently insufficient to determine the role of this variant in disease. Therefore, it has been classified as a Variant of Uncertain Significance.

NM_014844.5(TECPR2):c.1606G>T (p.Gly536Cys)

Gene: TECPR2 (tectonin beta-propeller repeat containing 2; plus strand). Cytogenetic location: 14q32.31.
Variant type: single nucleotide variant.
Coding change: c.1606G>T on transcript NM_014844.5 (MANE Select); coding-DNA position 1606, G replaced by T.
Protein change: p.Gly536Cys; replaces glycine 536 with cysteine.
Molecular consequence: missense variant.
Genome position (GRCh38, 1-based): chr14:102,434,423, G>T. VCF-style: chr14-102434423-G-T. GRCh37 (hg19) VCF-style: chr14-102900760-G-T.
Other names: c.1606G>T, p.Gly536Cys (NM_001172631.3); short protein forms G536C.
Identifiers: ClinVar variation 2150272 (VCV002150272.1), dbSNP rs186595127, ClinGen allele CA7357758.
Genomic context (GRCh38, chr14:102,434,423, plus strand): 5'-GTGGATCAGTTAAGTGCAGAGTCTCCAGACCAGGAAAGCAGCTTCAATGGTGAAGTGAAC[G>T]GTGTCCCACAGGAAAATACTGACCCCGAAACGTTTAATGTCCTGGAGGTGTCAGGATCAA-3'
Protein context (NP_055659.2, residues 526-546): QESSFNGEVN[Gly536Cys]VPQENTDPET